The following is an entry in ClinVar:

NM_020361.5(CPA6):c.192G>C (p.Lys64Asn)

Gene: CPA6 (carboxypeptidase A6; minus strand). Cytogenetic location: 8q13.2.
Variant type: single nucleotide variant.
Coding change: c.192G>C on transcript NM_020361.5 (MANE Select); coding-DNA position 192, G replaced by C.
Protein change: p.Lys64Asn; replaces lysine 64 with asparagine.
Molecular consequence: missense variant.
Genome position (GRCh38, 1-based): chr8:67,624,176, C>G on the plus strand (G>C on the coding strand, the complement: CPA6 is on the minus strand). VCF-style: chr8-67624176-C-G. GRCh37 (hg19) VCF-style: chr8-68536411-C-G.
Other names: short protein forms K64N.
Identifiers: ClinVar variation 2691559 (VCV002691559.1), dbSNP rs1815145772, ClinGen allele CA371261979.

ClinVar aggregate classification (germline): Uncertain significance (1 of 4 stars; one submission).

Submission:

Women's Health and Genetics/Laboratory Corporation of America, LabCorp
Classification: Uncertain significance. Last evaluated: 2023-12-08. Review status: criteria provided, single submitter. Criteria: LabCorp Variant Classification Summary - May 2015. Collection method: clinical testing. Allele origin: germline.
Comment: Variant summary: CPA6 c.192G>C (p.Lys64Asn) results in a non-conservative amino acid change located in the propeptide domain (IPR003146), which must be removed by proteolytic cleavage to activate the enzyme. Three of five in-silico tools predict a damaging effect of the variant on protein function. In addition, the variant alters the last nucleotide of exon 2, and therefore can also affect splicing. Several computational tools predict a significant impact on normal splicing: Three predict the variant abolishes a 5' splicing donor site. However, these predictions have yet to be confirmed by functional studies. The variant was absent in 248034 control chromosomes (gnomAD). The available data on variant occurrences in the general population are insufficient to allow any conclusion about variant significance. To our knowledge, no occurrence of c.192G>C in individuals affected with CPA6-Related Disorders and no experimental evidence demonstrating its impact on protein function have been reported. No submitters have cited clinical-significance assessments for this variant to ClinVar after 2014. Based on the evidence outlined above, the variant was classified as uncertain significance.